The following is an entry in ClinVar:

NM_058216.3(RAD51C):c.542A>G (p.Gln181Arg)

Gene: RAD51C (RAD51 paralog C; plus strand). Cytogenetic location: 17q22.
Variant type: single nucleotide variant.
Coding change: c.542A>G on transcript NM_058216.3 (MANE Select); coding-DNA position 542, A replaced by G.
Protein change: p.Gln181Arg; replaces glutamine 181 with arginine.
Molecular consequence: missense variant.
Genome position (GRCh38, 1-based): chr17:58,696,830, A>G. VCF-style: chr17-58696830-A-G. GRCh37 (hg19) VCF-style: chr17-56774191-A-G.
Other names: c.542A>G (LRG_314t1); short protein forms Q181R.
Identifiers: ClinVar variation 422873 (VCV000422873.22), dbSNP rs1064796060, ClinGen allele CA16620499.

ClinVar aggregate classification (germline): Conflicting classifications of pathogenicity. Review status: criteria provided, conflicting classifications (1 of 4 stars). 4 submissions from 4 submitters: Uncertain significance (3); Benign (1). Last evaluated 2026-02-03.

Conditions:
Hereditary cancer-predisposing syndrome. Also called: Hereditary neoplastic syndrome; Hereditary Cancer Syndrome; Neoplastic Syndromes, Hereditary; Tumor predisposition. Identifiers: Orphanet 140162, MedGen C0027672, MeSH D009386, MONDO:0015356.
Fanconi anemia complementation group O. Also called: RAD51C-Related Fanconi Anemia. Identifiers: Orphanet 84, MedGen C3150653, MONDO:0013248, OMIM 613390.

Allele frequency attached by ClinVar (database versions not stated): gnomAD exomes below 0.00001.
gnomAD v4.1: 2 of 1,614,192 alleles (0.00012%); highest among the groups gnomAD compares: South Asian, 0.0022%; no homozygotes.

Submissions (4):

Labcorp Genetics (formerly Invitae), Labcorp
Classification: Uncertain significance for Fanconi anemia complementation group O. Last evaluated: 2026-02-03. Review status: criteria provided, single submitter. Criteria: Invitae Variant Classification Sherloc (09022015). Collection method: clinical testing. Allele origin: germline.
Comment: This sequence change replaces glutamine, which is neutral and polar, with arginine, which is basic and polar, at codon 181 of the RAD51C protein (p.Gln181Arg). This variant is not present in population databases (gnomAD no frequency). This missense change has been observed in individual(s) with ovarian cancer (PMID: 34326862). ClinVar contains an entry for this variant (Variation ID: 422873). An algorithm developed to predict the effect of missense changes on protein structure and function outputs the following: PolyPhen-2: "Benign". The arginine amino acid residue is found in multiple mammalian species, which suggests that this missense change does not adversely affect protein function. In summary, the available evidence is currently insufficient to determine the role of this variant in disease. Therefore, it has been classified as a Variant of Uncertain Significance.

Ambry Genetics
Classification: Benign for Hereditary cancer-predisposing syndrome. Last evaluated: 2025-10-28. Review status: criteria provided, single submitter. Criteria: Ambry Variant Classification Scheme 2023. Collection method: clinical testing. Allele origin: germline.

Color Diagnostics, LLC DBA Color Health
Classification: Uncertain significance for Hereditary cancer-predisposing syndrome. Last evaluated: 2023-12-04. Review status: criteria provided, single submitter. Criteria: ACMG Guidelines, 2015. Collection method: clinical testing. Allele origin: germline.
Comment: This missense variant replaces glutamine with arginine at codon 181 of the RAD51C protein. Computational prediction suggests that this variant may not impact protein structure and function (internally defined REVEL score threshold <= 0.5, PMID: 27666373). To our knowledge, functional studies have not been reported for this variant. This variant has not been reported in individuals affected with RAD51C-related disorders in the literature. This variant has not been identified in the general population by the Genome Aggregation Database (gnomAD). The available evidence is insufficient to determine the role of this variant in disease conclusively. Therefore, this variant is classified as a Variant of Uncertain Significance.

GeneDx
Classification: Uncertain significance. Last evaluated: 2023-11-07. Review status: criteria provided, single submitter. Criteria: GeneDx Variant Classification Process June 2021. Collection method: clinical testing. Allele origin: germline. Affected: yes.
Comment: Not observed at significant frequency in large population cohorts (gnomAD); In silico analysis supports that this missense variant does not alter protein structure/function; Observed in an individual with a personal and family history of breast and ovarian cancer (PMID: 34326862); This variant is associated with the following publications: (PMID: 14704354, 34326862)

Literature cited by the submitters: PubMed 34326862 (cited by Labcorp Genetics (formerly Invitae), Labcorp).